The following is an entry in ClinVar:

NM_000038.6(APC):c.8264C>G (p.Ser2755Cys)

Gene: APC (APC regulator of Wnt signaling pathway; plus strand). Cytogenetic location: 5q22.2.
Variant type: single nucleotide variant.
Coding change: c.8264C>G on transcript NM_000038.6 (MANE Select); coding-DNA position 8264, C replaced by G.
Protein change: p.Ser2755Cys; replaces serine 2755 with cysteine.
Molecular consequence: missense variant.
Genome position (GRCh38, 1-based): chr5:112,843,858, C>G. VCF-style: chr5-112843858-C-G. GRCh37 (hg19) VCF-style: chr5-112179555-C-G.
Other names: c.8264C>G, p.Ser2755Cys (NM_001127510.3, NM_001354895.2); c.8210C>G, p.Ser2737Cys (NM_001127511.3); c.8318C>G, p.Ser2773Cys (NM_001354896.2); c.8294C>G, p.Ser2765Cys (NM_001354897.2); c.8189C>G, p.Ser2730Cys (NM_001354898.2); c.8180C>G, p.Ser2727Cys (NM_001354899.2); c.8141C>G, p.Ser2714Cys (NM_001354900.2); c.8087C>G, p.Ser2696Cys (NM_001354901.2); and 5 more; short protein forms S2737C, S2755C, S2654C, S2664C, S2727C, S2730C, S2765C, S2472C.
Identifiers: ClinVar variation 537562 (VCV000537562.14), dbSNP rs1383526361, ClinGen allele CA16039267.

ClinVar aggregate classification (germline): Uncertain significance. Review status: criteria provided, multiple submitters, no conflicts (2 of 4 stars). 2 submissions from 2 submitters: Uncertain significance (2). Last evaluated 2025-07-07.

Conditions:
Familial adenomatous polyposis 1 (FAP1). Also called: FAMILIAL ADENOMATOUS POLYPOSIS 1, ATTENUATED; POLYPOSIS, ADENOMATOUS INTESTINAL. Identifiers: MedGen C2713442, MONDO:0021056, OMIM 175100. Disease mechanism: loss of function.
Hereditary cancer-predisposing syndrome. Also called: Tumor predisposition; Hereditary Cancer Syndrome; Hereditary neoplastic syndrome; Neoplastic Syndromes, Hereditary. Identifiers: Orphanet 140162, MedGen C0027672, MeSH D009386, MONDO:0015356.

Allele frequency attached by ClinVar (database versions not stated): gnomAD 0.00001.
gnomAD v4.1: 2 of 1,613,888 alleles (0.00012%); highest among the groups gnomAD compares: Admixed American, 0.0017%; no homozygotes.

Submissions (2):

Labcorp Genetics (formerly Invitae), Labcorp
Classification: Uncertain significance for Familial adenomatous polyposis 1. Last evaluated: 2025-07-07. Review status: criteria provided, single submitter. Criteria: Invitae Variant Classification Sherloc (09022015). Collection method: clinical testing. Allele origin: germline.
Comment: This sequence change replaces serine, which is neutral and polar, with cysteine, which is neutral and slightly polar, at codon 2755 of the APC protein (p.Ser2755Cys). This variant is present in population databases (no rsID available, gnomAD 0.01%). This variant has not been reported in the literature in individuals affected with APC-related conditions. ClinVar contains an entry for this variant (Variation ID: 537562). Invitae Evidence Modeling of protein sequence and biophysical properties (such as structural, functional, and spatial information, amino acid conservation, physicochemical variation, residue mobility, and thermodynamic stability) indicates that this missense variant is not expected to disrupt APC protein function with a negative predictive value of 95%. In summary, the available evidence is currently insufficient to determine the role of this variant in disease. Therefore, it has been classified as a Variant of Uncertain Significance.

Ambry Genetics
Classification: Uncertain significance for Hereditary cancer-predisposing syndrome. Last evaluated: 2024-02-01. Review status: criteria provided, single submitter. Criteria: Ambry Variant Classification Scheme 2023. Collection method: clinical testing. Allele origin: germline.
Comment: The p.S2755C variant (also known as c.8264C>G), located in coding exon 15 of the APC gene, results from a C to G substitution at nucleotide position 8264. The serine at codon 2755 is replaced by cysteine, an amino acid with dissimilar properties. This amino acid position is not well conserved in available vertebrate species. In addition, in silico predictors for this gene do not accurately predict pathogenicity. Based on the available evidence, the clinical significance of this alteration remains unclear.